The following is an entry in ClinVar:

ClinVar aggregate classification (germline): Benign/Likely benign. Review status: criteria provided, multiple submitters, no conflicts (2 of 4 stars). 4 submissions from 4 submitters: Benign (1); Likely benign (3). Last evaluated 2026-01-27.

Conditions:
GRHL2-related disorder. Also called: GRHL2-related condition; GRHL2-related disorders.

Allele frequency attached by ClinVar (database versions not stated): 1000 Genomes Project 30x 0.00016; ExAC 0.00016; 1000 Genomes Project 0.00020; ESP Exome Variant Server 0.00054; gnomAD 0.00055 and 0.00059; TOPMed 0.00065.
gnomAD v4.1: 178 of 1,613,924 alleles (0.011%); highest among the groups gnomAD compares: African/African-American, 0.18%; 2 homozygotes.

Submissions (4):

Labcorp Genetics (formerly Invitae), Labcorp
Classification: Benign. Last evaluated: 2026-01-27. Review status: criteria provided, single submitter. Criteria: Invitae Variant Classification Sherloc (09022015). Collection method: clinical testing. Allele origin: germline.

PreventionGenetics, part of Exact Sciences
Classification: Likely benign for GRHL2-related condition. Last evaluated: 2025-10-06. Review status: criteria provided, single submitter. Criteria: ACMG Guidelines, 2015. Collection method: clinical testing. Allele origin: germline.
Comment: This variant is classified as likely benign based on ACMG/AMP sequence variant interpretation guidelines (Richards et al. 2015 PMID: 25741868, with internal and published modifications).

GeneDx
Classification: Likely benign. Last evaluated: 2020-09-25. Review status: criteria provided, single submitter. Criteria: GeneDx Variant Classification Process June 2021. Collection method: clinical testing. Allele origin: germline. Affected: yes.

Laboratory for Molecular Medicine, Mass General Brigham Personalized Medicine
Classification: Likely benign. Last evaluated: 2017-01-10. Review status: criteria provided, single submitter. Criteria: LMM Criteria. Collection method: clinical testing. Allele origin: germline. Observed: 2 variant alleles.
Comment: p.Ser230Asn in exon 5 of GRHL2: This variant is not expected to have clinical si gnificance because it is has been identified in 0.16% (17/10400) of African chro mosomes by the Exome Aggregation Consortium (ExAC, g) and in 0.17% (44/25874 African chromosomes by the Genome Aggregation Database ; (gnomAD; dbSNP rs140423160).

NM_024915.4(GRHL2):c.689G>A (p.Ser230Asn)

Gene: GRHL2 (grainyhead like transcription factor 2; plus strand). Cytogenetic location: 8q22.3.
Variant type: single nucleotide variant.
Coding change: c.689G>A on transcript NM_024915.4 (MANE Select); coding-DNA position 689, G replaced by A.
Protein change: p.Ser230Asn; replaces serine 230 with asparagine.
Molecular consequence: missense variant.
Genome position (GRCh38, 1-based): chr8:101,570,349, G>A. VCF-style: chr8-101570349-G-A. GRCh37 (hg19) VCF-style: chr8-102582577-G-A.
Other names: c.641G>A, p.Ser214Asn (NM_001330593.2); short protein forms S230N, S214N.
Identifiers: ClinVar variation 46221 (VCV000046221.11), dbSNP rs140423160, ClinGen allele CA137901.